The following is an entry in ClinVar:

ClinVar aggregate classification (germline): Conflicting classifications of pathogenicity. Review status: criteria provided, conflicting classifications (1 of 4 stars). 2 submissions from 2 submitters: Likely pathogenic (1); Uncertain significance (1). Last evaluated 2025-12-08.

Conditions:
Recessive dystrophic epidermolysis bullosa (RDEB). Also called: DYSTROPHIC EPIDERMOLYSIS BULLOSA, AUTOSOMAL RECESSIVE; EPIDERMOLYSIS BULLOSA DYSTROPHICA, HALLOPEAU-SIEMENS TYPE; Hallopeau-Siemens Disease; Epidermolysis Bullosa Distrophica Autosomal Recessive (RDEB); severe generalized recessive dystrophic epidermolysis bullosa; EPIDERMOLYSIS BULLOSA DYSTROPHICA, GENERALIZED SEVERE, AUTOSOMAL RECESSIVE. Identifiers: Orphanet 79408, Orphanet 79409, MedGen C0079474, MONDO:0009179, OMIM 226600.

Submissions (2):

Labcorp Genetics (formerly Invitae), Labcorp
Classification: Likely pathogenic. Last evaluated: 2025-12-08. Review status: criteria provided, single submitter. Criteria: Invitae Variant Classification Sherloc (09022015). Collection method: clinical testing. Allele origin: germline.
Comment: This sequence change replaces glycine, which is neutral and non-polar, with arginine, which is basic and polar, at codon 2049 of the COL7A1 protein (p.Gly2049Arg). This variant is not present in population databases (gnomAD no frequency). This variant has not been reported in the literature in individuals affected with COL7A1-related conditions. ClinVar contains an entry for this variant (Variation ID: 1526040). Invitae Evidence Modeling of protein sequence and biophysical properties (such as structural, functional, and spatial information, amino acid conservation, physicochemical variation, residue mobility, and thermodynamic stability) indicates that this missense variant is expected to disrupt COL7A1 protein function with a positive predictive value of 95%. This variant disrupts the triple helix domain of COL7A1. Glycine residues within the Gly-Xaa-Yaa repeats of the triple helix domain are required for the structure and stability of fibrillar collagens (PMID: 7695699, 8218237, 19344236), and variants at these glycine residues in COL7A1 are more frequently observed in individuals with disease than in the general population (PMID: 22058051). However, the clinical significance of this observation remains uncertain since only a limited number of affected individuals have been described to date. This variant disrupts the p.Gly2049 amino acid residue in COL7A1. Other variant(s) that disrupt this residue have been determined to be pathogenic (PMID: 9326325). This suggests that this residue is clinically significant, and that variants that disrupt this residue are likely to be disease-causing. In summary, the currently available evidence indicates that the variant is pathogenic, but additional data are needed to prove that conclusively. Therefore, this variant has been classified as Likely Pathogenic.

3billion
Classification: Uncertain significance for Recessive dystrophic epidermolysis bullosa. Last evaluated: 2022-03-22. Review status: criteria provided, single submitter. Criteria: ACMG Guidelines, 2015. Collection method: clinical testing. Allele origin: germline. Affected: yes. Observed: 1 heterozygote.
Comment: A different missense change at the same codon has been reported as pathogenic/likely pathogenic with strong evidence (ClinVar ID: VCV001047980, PMID:9326325). It is not observed in the gnomAD v2.1.1 dataset. In silico tool predictions suggest damaging effect of the variant on gene or gene product (REVEL: 0.962>=0.6, 3CNET: 0.992>=0.75). Therefore, this variant is classified as uncertain significance according to the recommendation of ACMG/AMP guideline.

Literature cited by the submitters: PubMed 7695699 (cited by Labcorp Genetics (formerly Invitae), Labcorp); PubMed 8218237 (cited by Labcorp Genetics (formerly Invitae), Labcorp); PubMed 19344236 (cited by Labcorp Genetics (formerly Invitae), Labcorp); PubMed 22058051 (cited by Labcorp Genetics (formerly Invitae), Labcorp); PubMed 9326325 (cited by Labcorp Genetics (formerly Invitae), Labcorp and 3billion).

NM_000094.4(COL7A1):c.6145G>A (p.Gly2049Arg)

Gene: COL7A1 (collagen type VII alpha 1 chain; minus strand). Cytogenetic location: 3p21.31.
Variant type: single nucleotide variant.
Coding change: c.6145G>A on transcript NM_000094.4 (MANE Select); coding-DNA position 6145, G replaced by A.
Protein change: p.Gly2049Arg; replaces glycine 2049 with arginine.
Molecular consequence: missense variant.
Genome position (GRCh38, 1-based): chr3:48,575,374, C>T on the plus strand (G>A on the coding strand, the complement: COL7A1 is on the minus strand). VCF-style: chr3-48575374-C-T. GRCh37 (hg19) VCF-style: chr3-48612807-C-T.
Other names: short protein forms G2049R.
Identifiers: ClinVar variation 1526040 (VCV001526040.2), dbSNP rs1189071165, ClinGen allele CA352662978.